The following is an entry in ClinVar:

ClinVar aggregate classification (germline): Uncertain significance (1 of 4 stars; one submission).

Allele frequency attached by ClinVar (database versions not stated): gnomAD 0.00001; TOPMed 0.00002.
gnomAD v4.1: 2 of 1,614,102 alleles (0.00012%); highest among the groups gnomAD compares: African/African-American, 0.0027%; no homozygotes.

Submission:

Labcorp Genetics (formerly Invitae), Labcorp
Classification: Uncertain significance. Last evaluated: 2022-05-19. Review status: criteria provided, single submitter. Criteria: Invitae Variant Classification Sherloc (09022015). Collection method: clinical testing. Allele origin: germline.
Comment: Experimental studies have shown that this missense change affects DNM1L function (PMID: 33422108). This sequence change replaces threonine, which is neutral and polar, with alanine, which is neutral and non-polar, at codon 586 of the DNM1L protein (p.Thr586Ala). This variant is not present in population databases (gnomAD no frequency). This variant has not been reported in the literature in individuals affected with DNM1L-related conditions. Algorithms developed to predict the effect of missense changes on protein structure and function (SIFT, PolyPhen-2, Align-GVGD) all suggest that this variant is likely to be tolerated. In summary, the available evidence is currently insufficient to determine the role of this variant in disease. Therefore, it has been classified as a Variant of Uncertain Significance.

Literature cited by the submitters: PubMed 33422108.

NM_012062.5(DNM1L):c.1756A>G (p.Thr586Ala)

Gene: DNM1L (dynamin 1 like; plus strand). Cytogenetic location: 12p11.21.
Variant type: single nucleotide variant.
Coding change: c.1756A>G on transcript NM_012062.5 (MANE Select); coding-DNA position 1756, A replaced by G.
Protein change: p.Thr586Ala; replaces threonine 586 with alanine.
Molecular consequence: missense variant.
Genome position (GRCh38, 1-based): chr12:32,740,112, A>G. VCF-style: chr12-32740112-A-G. GRCh37 (hg19) VCF-style: chr12-32893046-A-G.
Other names: c.1723A>G, p.Thr575Ala (NM_001278463.2); c.1795A>G, p.Thr599Ala (NM_001278464.2); c.1762A>G, p.Thr588Ala (NM_001278465.2); c.1147A>G, p.Thr383Ala (NM_001278466.2); c.1684A>G, p.Thr562Ala (NM_001330380.2); c.1645A>G, p.Thr549Ala (NM_005690.5); c.1678A>G, p.Thr560Ala (NM_012063.4); short protein forms T383A, T549A, T560A, T575A, T588A, T599A, T562A, T586A.
Identifiers: ClinVar variation 2114576 (VCV002114576.4), dbSNP rs1470456176, ClinGen allele CA384362485.